The following is an entry in ClinVar:

NM_001271.4(CHD2):c.5456C>G (p.Pro1819Arg)

Gene: CHD2 (chromodomain helicase DNA binding protein 2; plus strand). Cytogenetic location: 15q26.1.
Variant type: single nucleotide variant.
Coding change: c.5456C>G on transcript NM_001271.4 (MANE Select); coding-DNA position 5456, C replaced by G.
Protein change: p.Pro1819Arg; replaces proline 1819 with arginine.
Molecular consequence: missense variant.
Genome position (GRCh38, 1-based): chr15:93,024,674, C>G. VCF-style: chr15-93024674-C-G. GRCh37 (hg19) VCF-style: chr15-93567904-C-G.
Other names: c.5456C>G (NM_001271.3); short protein forms P1819R.
Identifiers: ClinVar variation 1993173 (VCV001993173.5), dbSNP rs1352154466, ClinGen allele CA393908828.

ClinVar aggregate classification (germline): Uncertain significance. Review status: criteria provided, multiple submitters, no conflicts (2 of 4 stars). 2 submissions from 2 submitters: Uncertain significance (2). Last evaluated 2024-04-03.

Conditions:
Developmental and epileptic encephalopathy 94 (DEE94). Also called: CHD2-Related Neurodevelopmental Disorders; Epileptic encephalopathy, childhood-onset. Identifiers: Orphanet 1942, Orphanet 2382, MedGen C3809278, MONDO:0014150, OMIM 615369.

Allele frequency attached by ClinVar (database versions not stated): gnomAD exomes below 0.00001.
gnomAD v4.1: 1 of 1,612,736 alleles (0.000062%); highest among the groups gnomAD compares: African/African-American, 0.0013%; no homozygotes.

Submissions (2):

GeneDx
Classification: Uncertain significance. Last evaluated: 2024-04-03. Review status: criteria provided, single submitter. Criteria: GeneDx Variant Classification Process June 2021. Collection method: clinical testing. Allele origin: germline. Affected: yes.
Comment: In silico analysis supports that this missense variant does not alter protein structure/function; Has not been previously published as pathogenic or benign to our knowledge

Labcorp Genetics (formerly Invitae), Labcorp
Classification: Uncertain significance for Developmental and epileptic encephalopathy 94. Last evaluated: 2024-01-15. Review status: criteria provided, single submitter. Criteria: Invitae Variant Classification Sherloc (09022015). Collection method: clinical testing. Allele origin: germline.
Comment: This sequence change replaces proline, which is neutral and non-polar, with arginine, which is basic and polar, at codon 1819 of the CHD2 protein (p.Pro1819Arg). This variant is present in population databases (no rsID available, gnomAD 0.007%). This variant has not been reported in the literature in individuals affected with CHD2-related conditions. ClinVar contains an entry for this variant (Variation ID: 1993173). Advanced modeling of protein sequence and biophysical properties (such as structural, functional, and spatial information, amino acid conservation, physicochemical variation, residue mobility, and thermodynamic stability) performed at Invitae indicates that this missense variant is not expected to disrupt CHD2 protein function with a negative predictive value of 95%. In summary, the available evidence is currently insufficient to determine the role of this variant in disease. Therefore, it has been classified as a Variant of Uncertain Significance.